The following is an entry in ClinVar:

NM_152594.3(SPRED1):c.1144G>C (p.Asp382His)

Gene: SPRED1 (sprouty related EVH1 domain containing 1; plus strand). Cytogenetic location: 15q14.
Variant type: single nucleotide variant.
Coding change: c.1144G>C on transcript NM_152594.3 (MANE Select); coding-DNA position 1144, G replaced by C.
Protein change: p.Asp382His; replaces aspartic acid 382 with histidine.
Molecular consequence: missense variant.
Genome position (GRCh38, 1-based): chr15:38,351,473, G>C. VCF-style: chr15-38351473-G-C. GRCh37 (hg19) VCF-style: chr15-38643674-G-C.
Other names: short protein forms D382H.
Identifiers: ClinVar variation 3774243 (VCV003774243.1).

ClinVar aggregate classification (germline): Uncertain significance (1 of 4 stars; one submission).

Submission:

GeneDx
Classification: Uncertain significance. Last evaluated: 2024-09-24. Review status: criteria provided, single submitter. Criteria: GeneDx Variant Classification Process June 2021. Collection method: clinical testing. Allele origin: germline. Affected: yes.
Comment: Not observed at significant frequency in large population cohorts (gnomAD); In silico analysis supports that this missense variant has a deleterious effect on protein structure/function; Has not been previously published as pathogenic or benign to our knowledge